The following is an entry in ClinVar:

NM_001083961.2(WDR62):c.1669C>T (p.Arg557Trp)

Gene: WDR62 (WD repeat domain 62; plus strand). Cytogenetic location: 19q13.12.
Variant type: single nucleotide variant.
Coding change: c.1669C>T on transcript NM_001083961.2 (MANE Select); coding-DNA position 1669, C replaced by T.
Protein change: p.Arg557Trp; replaces arginine 557 with tryptophan.
Molecular consequence: missense variant.
Genome position (GRCh38, 1-based): chr19:36,086,713, C>T. VCF-style: chr19-36086713-C-T. GRCh37 (hg19) VCF-style: chr19-36577615-C-T.
Other names: c.1654C>T, p.Arg552Trp (NM_001411145.1); c.1669C>T, p.Arg557Trp (NM_001411146.1, NM_173636.5); c.1318C>T, p.Arg440Trp (NM_001411147.1); c.1669C>T (NM_001083961.1); short protein forms R440W, R552W, R557W.
Identifiers: ClinVar variation 2691877 (VCV002691877.8), dbSNP rs1159993236, ClinGen allele CA405439084.

ClinVar aggregate classification (germline): Conflicting classifications of pathogenicity. Review status: criteria provided, conflicting classifications (1 of 4 stars). 3 submissions from 3 submitters: Likely pathogenic (2); Uncertain significance (1). Last evaluated 2025-03-26.

Conditions:
Microcephaly 2, primary, autosomal recessive, with or without cortical malformations. Also called: MICROCEPHALY 2, PRIMARY, AUTOSOMAL RECESSIVE, WITH CORTICAL MALFORMATIONS; WDR62 Primary Microcephaly. Identifiers: Orphanet 2512, MedGen C1858535, MONDO:0011435, OMIM 604317.

Allele frequency attached by ClinVar (database versions not stated): TOPMed 0.00001.
gnomAD v4.1: 25 of 1,604,332 alleles (0.0016%); highest among the groups gnomAD compares: Non-Finnish European, 0.002%; no homozygotes.

Submissions (3):

GeneDx
Classification: Likely pathogenic. Last evaluated: 2025-03-26. Review status: criteria provided, single submitter. Criteria: GeneDx Variant Classification Process June 2021. Collection method: clinical testing. Allele origin: germline.
Comment: Reported heterozygous in a patient with polymicrogyria, microcephaly, motor delay, and intellectual disability in published literature; however, a second variant in the WDR62 gene was not identified (PMID: 32404165); Reported heterozygous in a patient with tetralogy of Fallot; however, no information on this patient's neurodevelopmental phenotype was provided (PMID: 35808830); Not observed at significant frequency in large population cohorts (gnomAD); In silico analysis supports that this missense variant has a deleterious effect on protein structure/function; This variant is associated with the following publications: (PMID: 35808830, 32404165)

Labcorp Genetics (formerly Invitae), Labcorp
Classification: Uncertain significance. Last evaluated: 2024-08-21. Review status: criteria provided, single submitter. Criteria: Invitae Variant Classification Sherloc (09022015). Collection method: clinical testing. Allele origin: germline.
Comment: This sequence change replaces arginine, which is basic and polar, with tryptophan, which is neutral and slightly polar, at codon 557 of the WDR62 protein (p.Arg557Trp). The frequency data for this variant in the population databases is considered unreliable, as metrics indicate poor data quality at this position in the gnomAD database. This missense change has been observed in individual(s) with clinical features of WDR62-related conditions (PMID: 32404165; internal data). In at least one individual the data is consistent with being in trans (on the opposite chromosome) from a pathogenic variant. Invitae Evidence Modeling of protein sequence and biophysical properties (such as structural, functional, and spatial information, amino acid conservation, physicochemical variation, residue mobility, and thermodynamic stability) indicates that this missense variant is expected to disrupt WDR62 protein function with a positive predictive value of 80%. In summary, the available evidence is currently insufficient to determine the role of this variant in disease. Therefore, it has been classified as a Variant of Uncertain Significance.

Institute of Human Genetics, University of Leipzig Medical Center
Classification: Likely pathogenic for Microcephaly 2, primary, autosomal recessive, with or without cortical malformations. Last evaluated: 2023-12-17. Review status: criteria provided, single submitter. Criteria: ACMG Guidelines, 2015. Collection method: clinical testing. Allele origin: paternal. Inheritance: Autosomal recessive inheritance. Affected: yes.
Comment: Criteria applied: PM2,PM3,PP2,PP3

Literature cited by the submitters: PubMed 32404165 (cited by Labcorp Genetics (formerly Invitae), Labcorp).